The following is an entry in ClinVar:

ClinVar aggregate classification (germline): Uncertain significance (1 of 4 stars; one submission).

Conditions:
Brody myopathy. Also called: BRODY DISEASE. Identifiers: Orphanet 53347, MedGen C1832918, MONDO:0010977, OMIM 601003.

Allele frequency attached by ClinVar (database versions not stated): TOPMed below 0.00001.

Submission:

Labcorp Genetics (formerly Invitae), Labcorp
Classification: Uncertain significance for Brody myopathy. Last evaluated: 2022-02-04. Review status: criteria provided, single submitter. Criteria: Invitae Variant Classification Sherloc (09022015). Collection method: clinical testing. Allele origin: germline.
Comment: In summary, the available evidence is currently insufficient to determine the role of this variant in disease. Therefore, it has been classified as a Variant of Uncertain Significance. Algorithms developed to predict the effect of missense changes on protein structure and function are either unavailable or do not agree on the potential impact of this missense change (SIFT: "Deleterious"; PolyPhen-2: "Benign"; Align-GVGD: "Class C0"). ClinVar contains an entry for this variant (Variation ID: 657551). This variant has not been reported in the literature in individuals affected with ATP2A1-related conditions. This variant is not present in population databases (gnomAD no frequency). This sequence change replaces lysine, which is basic and polar, with glutamic acid, which is acidic and polar, at codon 728 of the ATP2A1 protein (p.Lys728Glu).

NM_004320.6(ATP2A1):c.2182A>G (p.Lys728Glu)

Gene: ATP2A1 (ATPase sarcoplasmic/endoplasmic reticulum Ca2+ transporting 1; plus strand). Cytogenetic location: 16p11.2.
Variant type: single nucleotide variant.
Coding change: c.2182A>G on transcript NM_004320.6 (MANE Select); coding-DNA position 2182, A replaced by G.
Protein change: p.Lys728Glu; replaces lysine 728 with glutamic acid.
Molecular consequence: missense variant.
Genome position (GRCh38, 1-based): chr16:28,901,944, A>G. VCF-style: chr16-28901944-A-G. GRCh37 (hg19) VCF-style: chr16-28913265-A-G.
Other names: c.1807A>G, p.Lys603Glu (NM_001286075.2); c.2182A>G, p.Lys728Glu (NM_173201.5); short protein forms K728E, K603E.
Identifiers: ClinVar variation 657551 (VCV000657551.11), dbSNP rs1596686606, ClinGen allele CA395412804.
Genomic context (GRCh38, chr16:28,901,944, plus strand): 5'-GCCCCTGCCCTGAAGAAGGCTGAGATTGGCATTGCCATGGGATCTGGCACTGCCGTGGCC[A>G]AGACTGCCTCTGAGATGGTGCTGGCTGACGACAACTTCTCCACCATCGTAGCTGCTGTGG-3'
Protein context (NP_004311.1, residues 718-738): IAMGSGTAVA[Lys728Glu]TASEMVLADD